The following is an entry in ClinVar:

ClinVar aggregate classification (germline): Pathogenic. Review status: criteria provided, single submitter (1 of 4 stars). 2 submissions from 2 submitters: Pathogenic (1). 1 of the submissions does not count toward it. Last evaluated 2020-09-13.

Conditions:
Polycystic kidney disease 4 (PKD4). Also called: POLYCYSTIC KIDNEY AND HEPATIC DISEASE 1; POLYCYSTIC KIDNEY DISEASE, INFANTILE, TYPE I; POLYCYSTIC KIDNEY DISEASE 4 WITH OR WITHOUT POLYCYSTIC LIVER DISEASE; PKD3; Autosomal Recessive Polycystic Kidney Disease – PKHD1. Identifiers: MedGen C4540575, MONDO:0033004, OMIM 263200.
Autosomal recessive polycystic kidney disease (ARPKD). Also called: AR polycystic kidney disease. Identifiers: Orphanet 731, Orphanet 8378, MedGen C0085548, MeSH D017044, MONDO:0009889.

Submissions (2):

Labcorp Genetics (formerly Invitae), Labcorp
Classification: Pathogenic for Autosomal recessive polycystic kidney disease. Last evaluated: 2020-09-13. Review status: criteria provided, single submitter. Criteria: Invitae Variant Classification Sherloc (09022015). Collection method: clinical testing. Allele origin: germline.
Comment: This variant is not present in population databases (ExAC no frequency). This sequence change creates a premature translational stop signal (p.Arg864Glyfs*10) in the PKHD1 gene. It is expected to result in an absent or disrupted protein product. This variant has not been reported in the literature in individuals with PKHD1-related conditions. ClinVar contains an entry for this variant (Variation ID: 370711). For these reasons, this variant has been classified as Pathogenic. Loss-of-function variants in PKHD1 are known to be pathogenic (PMID: 19940839).

Counsyl
Classification: Likely pathogenic for Polycystic kidney disease 4. Last evaluated: 2016-03-29. Review status: no assertion criteria provided. Collection method: clinical testing. Allele origin: unknown. Not counted in ClinVar's aggregate classification.

Literature cited by the submitters: PubMed 19940839 (cited by Labcorp Genetics (formerly Invitae), Labcorp).

NM_138694.4(PKHD1):c.2590del (p.Arg864fs)

Gene: PKHD1 (PKHD1 ciliary IPT domain containing fibrocystin/polyductin; minus strand). Cytogenetic location: 6p12.2.
Variant type: Deletion.
Coding change: c.2590del on transcript NM_138694.4 (MANE Select); coding-DNA position 2590, one base deleted (A; older notation c.2590delA).
Protein change: p.Arg864fs; shifts the reading frame from arginine 864.
Molecular consequence: frameshift variant.
Genome position (GRCh38, 1-based): chr6:52,046,006, T deleted on the plus strand (A on the coding strand, the reverse complement: PKHD1 is on the minus strand). VCF-style (leftmost placement, unchanged base first): chr6-52046005-CT-C. GRCh37 (hg19) VCF-style: chr6-51910803-CT-C.
Other names: c.2590del, p.Arg864fs (NM_170724.3); short protein forms R864fs.
Identifiers: ClinVar variation 370711 (VCV000370711.10), dbSNP rs1057516709, ClinGen allele CA16041066.
Genomic context (GRCh38, chr6:52,046,005, plus strand): 5'-TTTTGCAGAATTTCTCCAGGGCAGCAAATCCATGCCACTAGAAGGGATACTATACATACC[CT>C]GATAAAATTGGGCAAATCCCCAATCTGAGTGGACCAGGACAAGGTCCACACGTGTTCGTA-3'